The following is an entry in ClinVar:

NM_003922.4(HERC1):c.4481C>T (p.Ala1494Val)

Gene: HERC1 (HECT and RLD domain containing E3 ubiquitin protein ligase family member 1; minus strand). Cytogenetic location: 15q22.31.
Variant type: single nucleotide variant.
Coding change: c.4481C>T on transcript NM_003922.4 (MANE Select); coding-DNA position 4481, C replaced by T.
Protein change: p.Ala1494Val; replaces alanine 1494 with valine.
Molecular consequence: missense variant.
Genome position (GRCh38, 1-based): chr15:63,712,878, G>A on the plus strand (C>T on the coding strand, the complement: HERC1 is on the minus strand). VCF-style: chr15-63712878-G-A. GRCh37 (hg19) VCF-style: chr15-64005077-G-A.
Other names: short protein forms A1494V.
Identifiers: ClinVar variation 2305983 (VCV002305983.3), dbSNP rs375095850, ClinGen allele CA7605784.
Genomic context (GRCh38, chr15:63,712,878, plus strand): 5'-GATTCACTCCTCGATTTGATCAGTCTATAATTTGGGCTTGTGTGGACTAGCCGGCTCTCT[G>A]CAGTAAGACTTTCACTCCTGTCTCACATGTACAAAAAAAAAAGTTTTTTGATTTAGGACT-3'
Protein context (NP_003913.3, residues 1484-1504): GLMTRSESLT[Ala1494Val]ESRLVHTSPN

ClinVar aggregate classification (germline): Uncertain significance. Review status: criteria provided, multiple submitters, no conflicts (2 of 4 stars). 2 submissions from 2 submitters: Uncertain significance (2). Last evaluated 2025-02-06.

Conditions:
Inborn genetic diseases. Identifiers: MedGen C0950123, MeSH D030342.

Allele frequency attached by ClinVar (database versions not stated): TOPMed 0.00010; gnomAD 0.00009; ESP Exome Variant Server 0.00025; gnomAD exomes 0.00001; ExAC 0.00003.
gnomAD v4.1: 24 of 1,613,030 alleles (0.0015%); highest among the groups gnomAD compares: African/African-American, 0.029%; no homozygotes.

Submissions (2):

GeneDx
Classification: Uncertain significance. Last evaluated: 2025-02-06. Review status: criteria provided, single submitter. Criteria: GeneDx Variant Classification Process June 2021. Collection method: clinical testing. Allele origin: germline. Affected: yes.
Comment: In silico analysis indicates that this missense variant does not alter protein structure/function; In silico analysis is inconclusive as to whether the variant alters gene splicing. In the absence of RNA/functional studies, the actual effect of this sequence change is unknown.; Has not been previously published as pathogenic or benign to our knowledge

Ambry Genetics
Classification: Uncertain significance for Inborn genetic diseases. Last evaluated: 2022-08-08. Review status: criteria provided, single submitter. Criteria: Ambry Variant Classification Scheme 2023. Collection method: clinical testing. Allele origin: germline.